The following is an entry in ClinVar:

ClinVar aggregate classification (germline): Likely benign (0 of 4 stars; one submission).

Conditions:
UFM1-related disorder. Also called: UFM1-related condition.

Allele frequency attached by ClinVar (database versions not stated): ExAC 0.00049; gnomAD 0.00152; TOPMed 0.00156; 1000 Genomes Project 30x 0.00172; ESP Exome Variant Server 0.00192; 1000 Genomes Project 0.00200.
gnomAD v4.1: 430 of 1,613,918 alleles (0.027%); highest among the groups gnomAD compares: African/African-American, 0.52%; 4 homozygotes.

Submissions (3):

PreventionGenetics, part of Exact Sciences
Classification: Likely benign for UFM1-related condition. Last evaluated: 2019-02-27. Review status: no assertion criteria provided. Collection method: clinical testing. Allele origin: germline.
Comment: This variant is classified as likely benign based on ACMG/AMP sequence variant interpretation guidelines (Richards et al. 2015 PMID: 25741868, with internal and published modifications).

Dr. Peter K. Rogan Lab, Western University
No classification provided (evidence only). Condition: Lung cancer. Review status: no classification provided. Collection method: in vitro. Allele origin: not applicable. Functional consequence: retained intron. Not counted in ClinVar's aggregate classification.

Dr. Peter K. Rogan Lab, Western University
No classification provided (evidence only). Condition: Acute myeloid leukemia. Review status: no classification provided. Collection method: in vitro. Allele origin: not applicable. Functional consequence: retained intron. Not counted in ClinVar's aggregate classification.

NM_016617.4(UFM1):c.2+4A>C

Gene: UFM1 (ubiquitin fold modifier 1; plus strand). Cytogenetic location: 13q13.3.
Variant type: single nucleotide variant.
Coding change: c.2+4A>C on transcript NM_016617.4 (MANE Select); 4 bases into the intron after coding-DNA position 2, A replaced by C.
Molecular consequence: intron variant.
Genome position (GRCh38, 1-based): chr13:38,349,925, A>C. VCF-style: chr13-38349925-A-C. GRCh37 (hg19) VCF-style: chr13-38924062-A-C.
Other names: NC_000013.10:g.38924062A>C; c.-117+4A>C (NM_001286704.2); c.2+4A>C (NM_001286705.2, NM_001286703.2, NM_001286706.2).
Identifiers: ClinVar variation 3049451 (VCV003049451.3), dbSNP rs2231329, ClinGen allele CA6953866.
Genomic context (GRCh38, chr13:38,349,925, plus strand): 5'-AGTCGTGCTACCCCCGCGGAGTTGTCGTGTGTTCTGGATTCATTCCGGCACCACCATGTA[A>C]GTGTTTGCTTACCGACTGCCATAATTCCTGGTCCAGCTGCCCGACCCTGACTCTCTCCCG-3'